The following is an entry in ClinVar:

ClinVar aggregate classification (germline): Uncertain significance. Review status: criteria provided, multiple submitters, no conflicts (2 of 4 stars). 2 submissions from 2 submitters: Uncertain significance (2). Last evaluated 2025-10-15.

Conditions:
Hereditary spastic paraplegia 7 (SPG7). Also called: SPG7-related neurologic disorder; Spastic paraplegia 7; Hereditary spastic paraplegia Paraplegin type; Autosomal recessive spastic paraplegia type 7; SPASTIC PARAPLEGIA 7, AUTOSOMAL RECESSIVE, WITH OR WITHOUT CEREBELLAR ATAXIA. Identifiers: Orphanet 99013, MedGen C1846564, MONDO:0011803, OMIM 607259.
Inborn genetic diseases. Identifiers: MedGen C0950123, MeSH D030342.

Allele frequency attached by ClinVar (database versions not stated): TOPMed below 0.00001; gnomAD 0.00001.
gnomAD v4.1: 1 of 1,614,004 alleles (0.000062%); highest among the groups gnomAD compares: African/African-American, 0.0013%; no homozygotes.

Submissions (2):

Ambry Genetics
Classification: Uncertain significance for Inborn genetic diseases. Last evaluated: 2025-10-15. Review status: criteria provided, single submitter. Criteria: Ambry Variant Classification Scheme 2023. Collection method: clinical testing. Allele origin: germline.

Labcorp Genetics (formerly Invitae), Labcorp
Classification: Uncertain significance for Hereditary spastic paraplegia 7. Last evaluated: 2022-12-20. Review status: criteria provided, single submitter. Criteria: Invitae Variant Classification Sherloc (09022015). Collection method: clinical testing. Allele origin: germline.
Comment: This variant is not present in population databases (gnomAD no frequency). This sequence change replaces leucine, which is neutral and non-polar, with proline, which is neutral and non-polar, at codon 471 of the SPG7 protein (p.Leu471Pro). This variant has not been reported in the literature in individuals affected with SPG7-related conditions. Advanced modeling of protein sequence and biophysical properties (such as structural, functional, and spatial information, amino acid conservation, physicochemical variation, residue mobility, and thermodynamic stability) performed at Invitae indicates that this missense variant is not expected to disrupt SPG7 protein function. In summary, the available evidence is currently insufficient to determine the role of this variant in disease. Therefore, it has been classified as a Variant of Uncertain Significance.

NM_003119.4(SPG7):c.1412T>C (p.Leu471Pro)

Gene: SPG7 (SPG7 matrix AAA peptidase subunit, paraplegin; plus strand). Cytogenetic location: 16q24.3.
Variant type: single nucleotide variant.
Coding change: c.1412T>C on transcript NM_003119.4 (MANE Select); coding-DNA position 1412, T replaced by C.
Protein change: p.Leu471Pro; replaces leucine 471 with proline.
Molecular consequence: missense variant.
Genome position (GRCh38, 1-based): chr16:89,544,735, T>C. VCF-style: chr16-89544735-T-C. GRCh37 (hg19) VCF-style: chr16-89611143-T-C.
Other names: c.1412T>C, p.Leu471Pro (NM_001363850.1); c.1412T>C (NM_003119.2); short protein forms L471P.
Identifiers: ClinVar variation 2798146 (VCV002798146.4), dbSNP rs1426260380, ClinGen allele CA397425380.